The following is an entry in ClinVar:

NM_153026.3(PRICKLE1):c.473del (p.Cys158fs)

Gene: PRICKLE1 (prickle planar cell polarity protein 1; minus strand). Cytogenetic location: 12q12.
Variant type: Deletion.
Coding change: c.473del on transcript NM_153026.3 (MANE Select); coding-DNA position 473, one base deleted (G; older notation c.473delG).
Protein change: p.Cys158fs; shifts the reading frame from cysteine 158.
Molecular consequence: frameshift variant.
Genome position (GRCh38, 1-based): chr12:42,468,741, C deleted on the plus strand (G on the coding strand, the reverse complement: PRICKLE1 is on the minus strand). VCF-style (leftmost placement, unchanged base first): chr12-42468740-AC-A. GRCh37 (hg19) VCF-style: chr12-42862542-AC-A.
Other names: c.473del, p.Cys158fs (NM_001144881.2, NM_001144882.2, NM_001144883.2); short protein forms C158fs.
Identifiers: ClinVar variation 951274 (VCV000951274.5), dbSNP rs1938199369, ClinGen allele CA1139662603.

ClinVar aggregate classification (germline): Uncertain significance (1 of 4 stars; one submission).

Conditions:
Epilepsy, progressive myoclonic, 1B. Also called: PME. Identifiers: Orphanet 308, MedGen C2676254, MONDO:0012904, OMIM 612437.

Submission:

Labcorp Genetics (formerly Invitae), Labcorp
Classification: Uncertain significance for Epilepsy, progressive myoclonic, 1B. Last evaluated: 2022-02-06. Review status: criteria provided, single submitter. Criteria: Invitae Variant Classification Sherloc (09022015). Collection method: clinical testing. Allele origin: germline.
Comment: This sequence change creates a premature translational stop signal (p.Cys158Phefs*40) in the PRICKLE1 gene. It is expected to result in an absent or disrupted protein product. However, the current clinical and genetic evidence is not sufficient to establish whether loss-of-function variants in PRICKLE1 cause disease. This variant is not present in population databases (gnomAD no frequency). This variant has not been reported in the literature in individuals affected with PRICKLE1-related conditions. ClinVar contains an entry for this variant (Variation ID: 951274). In summary, the available evidence is currently insufficient to determine the role of this variant in disease. Therefore, it has been classified as a Variant of Uncertain Significance.